The following is an entry in ClinVar:

ClinVar aggregate classification (germline): Uncertain significance (1 of 4 stars; one submission).

Conditions:
Pheochromocytoma/paraganglioma syndrome 5. Also called: Paragangliomas 5; SDHA-Related Hereditary Paraganglioma-Pheochromocytoma Syndrome. Identifiers: Orphanet 29072, MedGen C3279992, MONDO:0013602, OMIM 614165.
Mitochondrial complex II deficiency, nuclear type 1. Also called: SUCCINATE CoQ REDUCTASE DEFICIENCY. Identifiers: Orphanet 3208, MedGen C5700310, MONDO:0100294, OMIM 252011.

Submission:

Labcorp Genetics (formerly Invitae), Labcorp
Classification: Uncertain significance for Pheochromocytoma/paraganglioma syndrome 5; Mitochondrial complex II deficiency, nuclear type 1. Last evaluated: 2022-09-18. Review status: criteria provided, single submitter. Criteria: Invitae Variant Classification Sherloc (09022015). Collection method: clinical testing. Allele origin: germline.
Comment: In summary, the available evidence is currently insufficient to determine the role of this variant in disease. Therefore, it has been classified as a Variant of Uncertain Significance. Variants that disrupt the consensus splice site are a relatively common cause of aberrant splicing (PMID: 17576681, 9536098). Algorithms developed to predict the effect of sequence changes on RNA splicing suggest that this variant may create or strengthen a splice site. This variant has not been reported in the literature in individuals affected with SDHA-related conditions. This variant is not present in population databases (gnomAD no frequency). This sequence change falls in intron 4 of the SDHA gene. It does not directly change the encoded amino acid sequence of the SDHA protein. It affects a nucleotide within the consensus splice site.

Literature cited by the submitters: PubMed 17576681; PubMed 9536098.

NM_004168.4(SDHA):c.456+6G>C

Gene: SDHA (succinate dehydrogenase complex flavoprotein subunit A; plus strand). Cytogenetic location: 5p15.33.
Variant type: single nucleotide variant.
Coding change: c.456+6G>C on transcript NM_004168.4 (MANE Select); 6 bases into the intron after coding-DNA position 456, G replaced by C.
Molecular consequence: intron variant.
Genome position (GRCh38, 1-based): chr5:225,568, G>C. VCF-style: chr5-225568-G-C. GRCh37 (hg19) VCF-style: chr5-225683-G-C.
Other names: c.456+6G>C (NM_001330758.2); c.313-315G>C (NM_001294332.2).
Identifiers: ClinVar variation 2031061 (VCV002031061.4), dbSNP rs371735891, ClinGen allele CA2580073099.
Genomic context (GRCh38, chr5:225,568, plus strand): 5'-GGACCAGGATGCCATCCACTACATGACGGAGCAGGCCCCCGCCGCCGTGGTCGAGGTGAT[G>C]GGCGGGAGGCTCTGGGTGTTCTCGTGGTCTGTTTCTAGTACAAAAGAATCCTGGAAAAAA-3'